The following is an entry in ClinVar:

NM_015295.3(SMCHD1):c.3120A>C (p.Gln1040His)

Gene: SMCHD1 (structural maintenance of chromosomes flexible hinge domain containing 1; plus strand). Cytogenetic location: 18p11.32.
Variant type: single nucleotide variant.
Coding change: c.3120A>C on transcript NM_015295.3 (MANE Select); coding-DNA position 3120, A replaced by C.
Protein change: p.Gln1040His; replaces glutamine 1040 with histidine.
Molecular consequence: missense variant.
Genome position (GRCh38, 1-based): chr18:2,732,336, A>C. VCF-style: chr18-2732336-A-C. GRCh37 (hg19) VCF-style: chr18-2732334-A-C.
Other names: short protein forms Q1040H.
Identifiers: ClinVar variation 4766230 (VCV004766230.1).
Genomic context (GRCh38, chr18:2,732,336, plus strand): 5'-TGTGGCACCTGTGGAGAAGACTATTAAGTTGCTTCCCAGTAGCCATGTTGCAAGACTACA[A>C]ATATTCAGTGTAGAAGGACAAAAGGCAATTCAGATCAAACATCAGGATGAGGTTAATTGG-3'
Protein context (NP_056110.2, residues 1030-1050): LLPSSHVARL[Gln1040His]IFSVEGQKAI

ClinVar aggregate classification (germline): Uncertain significance (1 of 4 stars; one submission).

Conditions:
Facioscapulohumeral muscular dystrophy 2 (FSHD2). Also called: MUSCULAR DYSTROPHY, FACIOSCAPULOHUMERAL, TYPE 1B; FACIOSCAPULOHUMERAL MUSCULAR DYSTROPHY 2, DIGENIC; FSHD2, DIGENIC. Identifiers: Orphanet 269, MedGen C1834671, MONDO:0008031, OMIM 158901.

Submission:

Labcorp Genetics (formerly Invitae), Labcorp
Classification: Uncertain significance for Facioscapulohumeral muscular dystrophy 2. Last evaluated: 2025-07-29. Review status: criteria provided, single submitter. Criteria: Invitae Variant Classification Sherloc (09022015). Collection method: clinical testing. Allele origin: germline.
Comment: This sequence change replaces glutamine, which is neutral and polar, with histidine, which is basic and polar, at codon 1040 of the SMCHD1 protein (p.Gln1040His). This variant is not present in population databases (gnomAD no frequency). This variant has not been reported in the literature in individuals affected with SMCHD1-related conditions. Invitae Evidence Modeling of protein sequence and biophysical properties (such as structural, functional, and spatial information, amino acid conservation, physicochemical variation, residue mobility, and thermodynamic stability) indicates that this missense variant is not expected to disrupt SMCHD1 protein function with a negative predictive value of 80%. In summary, the available evidence is currently insufficient to determine the role of this variant in disease. Therefore, it has been classified as a Variant of Uncertain Significance.